The following is an entry in ClinVar:

NM_005006.7(NDUFS1):c.65G>A (p.Arg22Gln)

Gene: NDUFS1 (NADH:ubiquinone oxidoreductase core subunit S1; minus strand). Cytogenetic location: 2q33.3.
Variant type: single nucleotide variant.
Coding change: c.65G>A on transcript NM_005006.7 (MANE Select); coding-DNA position 65, G replaced by A.
Protein change: p.Arg22Gln; replaces arginine 22 with glutamine.
Molecular consequence: missense variant. On other transcripts: intron variant (2).
Genome position (GRCh38, 1-based): chr2:206,152,507, C>T on the plus strand (G>A on the coding strand, the complement: NDUFS1 is on the minus strand). VCF-style: chr2-206152507-C-T. GRCh37 (hg19) VCF-style: chr2-207017231-C-T.
Other names: c.65G>A (NM_005006.6); c.65G>A, p.Arg22Gln (NM_001199981.2); c.107G>A, p.Arg36Gln (NM_001199984.2); c.5+1111G>A (NM_001199982.2); c.-19+1111G>A (NM_001199983.2); short protein forms R22Q, R36Q.
Identifiers: ClinVar variation 930983 (VCV000930983.20), dbSNP rs767457281, ClinGen allele CA2070910.
Genomic context (GRCh38, chr2:206,152,507, plus strand): 5'-ATGACAGACTGACCATCAACAAATACTTCAATCAAGTTGCTTGCTGCTGTGGCAGTTGTT[C>T]GAACTGACCATCAAAGATATTGAAGCGAAAAACAGATTAACAGTTTATTATAGCAGATGA-3'
Protein context (NP_004997.4, residues 12-32): GLSKSPKGCV[Arg22Gln]TTATAASNLI

ClinVar aggregate classification (germline): Uncertain significance. Review status: criteria provided, multiple submitters, no conflicts (2 of 4 stars). 4 submissions from 4 submitters: Uncertain significance (4). Last evaluated 2025-06-02.

Conditions:
Inborn genetic diseases. Identifiers: MedGen C0950123, MeSH D030342.
Mitochondrial complex I deficiency, nuclear type 5. Also called: Mitochondrial complex 1 deficiency, nuclear type 5. Identifiers: MedGen C4748754, MONDO:0032610, OMIM 618226.

Allele frequency attached by ClinVar (database versions not stated): gnomAD exomes 0.00001 and 0.00003; ExAC 0.00002; gnomAD 0.00002; TOPMed 0.00003.
gnomAD v4.1: 51 of 1,613,498 alleles (0.0032%); highest among the groups gnomAD compares: Non-Finnish European, 0.004%; no homozygotes.

Submissions (4):

Labcorp Genetics (formerly Invitae), Labcorp
Classification: Uncertain significance. Last evaluated: 2025-06-02. Review status: criteria provided, single submitter. Criteria: Invitae Variant Classification Sherloc (09022015). Collection method: clinical testing. Allele origin: germline.
Comment: This sequence change replaces arginine, which is basic and polar, with glutamine, which is neutral and polar, at codon 22 of the NDUFS1 protein (p.Arg22Gln). This variant is present in population databases (rs767457281, gnomAD 0.008%). This variant has not been reported in the literature in individuals affected with NDUFS1-related conditions. ClinVar contains an entry for this variant (Variation ID: 930983). Invitae Evidence Modeling of protein sequence and biophysical properties (such as structural, functional, and spatial information, amino acid conservation, physicochemical variation, residue mobility, and thermodynamic stability) indicates that this missense variant is not expected to disrupt NDUFS1 protein function with a negative predictive value of 95%. In summary, the available evidence is currently insufficient to determine the role of this variant in disease. Therefore, it has been classified as a Variant of Uncertain Significance.

CeGaT Center for Human Genetics Tuebingen
Classification: Uncertain significance. Last evaluated: 2025-01-01. Review status: criteria provided, single submitter. Criteria: CeGaT Center For Human Genetics Tuebingen Variant Classification Criteria Version 2. Collection method: clinical testing. Allele origin: germline. Affected: yes. Observed: 1 variant allele.
Comment: NDUFS1: PM2, BP2

Ambry Genetics
Classification: Uncertain significance for Inborn genetic diseases. Last evaluated: 2023-10-25. Review status: criteria provided, single submitter. Criteria: Ambry Variant Classification Scheme 2023. Collection method: clinical testing. Allele origin: germline.

Centre for Mendelian Genomics, University Medical Centre Ljubljana
Classification: Uncertain significance for Mitochondrial complex I deficiency, nuclear type 5. Last evaluated: 2018-12-24. Review status: criteria provided, single submitter. Criteria: ACMG Guidelines, 2015. Collection method: clinical testing. Allele origin: unknown. Affected: yes.
Comment: This variant was classified as: Uncertain significance. The available evidence on this variant's pathogenicity is insufficient or conflicting. The following ACMG criteria were applied in classifying this variant: PM2,PP3.